The following is an entry in ClinVar:

NM_031263.4(HNRNPK):c.1191+9C>T

Gene: HNRNPK (heterogeneous nuclear ribonucleoprotein K; minus strand). Cytogenetic location: 9q21.32.
Variant type: single nucleotide variant.
Coding change: c.1191+9C>T on transcript NM_031263.4 (MANE Select); 9 bases into the intron after coding-DNA position 1191, C replaced by T.
Molecular consequence: intron variant.
Genome position (GRCh38, 1-based): chr9:83,970,728, G>A on the plus strand (C>T on the coding strand, the complement: HNRNPK is on the minus strand). VCF-style: chr9-83970728-G-A. GRCh37 (hg19) VCF-style: chr9-86585643-G-A.
Other names: c.1191+9C>T (NM_031262.4, NM_002140.5, NM_001318188.2 and 1 more transcripts); c.1119+9C>T (NM_001318186.2, NM_001318187.2).
Identifiers: ClinVar variation 2419201 (VCV002419201.8), dbSNP rs371386785, ClinGen allele CA195465404.

ClinVar aggregate classification (germline): Likely benign. Review status: criteria provided, single submitter (1 of 4 stars). 2 submissions from 2 submitters: Likely benign (1). 1 of the submissions does not count toward it. Last evaluated 2025-09-16.

Conditions:
HNRNPK-related disorder. Also called: HNRNPK-related condition.

Allele frequency attached by ClinVar (database versions not stated): gnomAD 0.00001; TOPMed 0.00001; gnomAD exomes 0.00005; ESP Exome Variant Server 0.00008.
gnomAD v4.1: 69 of 1,466,154 alleles (0.0047%); highest among the groups gnomAD compares: Non-Finnish European, 0.0062%; no homozygotes.

Submissions (2):

Labcorp Genetics (formerly Invitae), Labcorp
Classification: Likely benign. Last evaluated: 2025-09-16. Review status: criteria provided, single submitter. Criteria: Invitae Variant Classification Sherloc (09022015). Collection method: clinical testing. Allele origin: germline.

PreventionGenetics, part of Exact Sciences
Classification: Likely benign for HNRNPK-related condition. Last evaluated: 2019-04-22. Review status: no assertion criteria provided. Collection method: clinical testing. Allele origin: germline. Not counted in ClinVar's aggregate classification.
Comment: This variant is classified as likely benign based on ACMG/AMP sequence variant interpretation guidelines (Richards et al. 2015 PMID: 25741868, with internal and published modifications).